The following is an entry in ClinVar:

ClinVar aggregate classification (germline): Benign/Likely benign. Review status: criteria provided, multiple submitters, no conflicts (2 of 4 stars). 6 submissions from 6 submitters: Benign (2); Likely benign (3). 1 of the submissions does not count toward it. Last evaluated 2026-01-22.

Conditions:
ARID1B-Related Disorder. Identifiers: MedGen CN381337.
Inborn genetic diseases. Identifiers: MedGen C0950123, MeSH D030342.

Submissions (6):

Labcorp Genetics (formerly Invitae), Labcorp
Classification: Likely benign. Last evaluated: 2026-01-22. Review status: criteria provided, single submitter. Criteria: Invitae Variant Classification Sherloc (09022015). Collection method: clinical testing. Allele origin: germline.

Blueprint Genetics
Classification: Likely benign. Last evaluated: 2024-11-15. Review status: criteria provided, single submitter. Criteria: ACMG Guidelines, 2015. Collection method: clinical testing. Allele origin: germline.

CeGaT Center for Human Genetics Tuebingen
Classification: Benign. Last evaluated: 2023-07-01. Review status: criteria provided, single submitter. Criteria: CeGaT Center For Human Genetics Tuebingen Variant Classification Criteria Version 2. Collection method: clinical testing. Allele origin: germline. Affected: yes. Observed: 1 variant allele.
Comment: ARID1B: BS1, BS2

Ambry Genetics
Classification: Likely benign for Inborn genetic diseases. Last evaluated: 2022-01-12. Review status: criteria provided, single submitter. Criteria: Ambry Variant Classification Scheme 2023. Collection method: clinical testing. Allele origin: germline.

GeneDx
Classification: Benign. Last evaluated: 2020-07-09. Review status: criteria provided, single submitter. Criteria: GeneDx Variant Classification Process June 2021. Collection method: clinical testing. Allele origin: germline. Affected: yes.

PreventionGenetics, part of Exact Sciences
Classification: Likely benign for ARID1B-related condition. Last evaluated: 2023-03-20. Review status: no assertion criteria provided. Collection method: clinical testing. Allele origin: germline. Not counted in ClinVar's aggregate classification.
Comment: This variant is classified as likely benign based on ACMG/AMP sequence variant interpretation guidelines (Richards et al. 2015 PMID: 25741868, with internal and published modifications).

NM_001374828.1(ARID1B):c.1211GAG[10] (p.Gly411_Ala412insGlyGly)

Gene: ARID1B (AT-rich interaction domain 1B; plus strand). Cytogenetic location: 6q25.3.
Variant type: Microsatellite.
Coding change: c.1211GAG[10] on transcript NM_001374828.1 (MANE Select); ten copies in a row of the 3-base unit GAG starting at c.1211; the reference has eight copies in a row; two copies, 6 bases duplicated.
Protein change: p.Gly411_Ala412insGlyGly.
Molecular consequence: inframe insertion.
Genome position (GRCh38, 1-based): chr6:156,778,909-156,778,914, GAGGAG duplicated; duplicating any 6 consecutive bases within chr6:156,778,890-156,778,914 gives the same sequence; the position shown is the placement nearest the transcript's 3' end. VCF-style (leftmost placement, unchanged base first): chr6-156778889-C-CGGAGGA. GRCh37 (hg19) VCF-style: chr6-157100023-C-CGGAGGA.
Other names: c.980_985dup (NM_020732.3); c.1211GAG[10], p.Gly411_Ala412insGlyGly (NM_001371656.1, NM_001374820.1, NM_017519.3); c.980_985dup6 (NM_020732.3).
Identifiers: ClinVar variation 588854 (VCV000588854.38), dbSNP rs747790383, ClinGen allele CA452989623.
Genomic context (GRCh38, chr6:156,778,889, plus strand): 5'-CTACAGCCGGCCCGGCGCGGGCGGCGGCGGCGGCGGCGGCGGCGGAGGAGGAGGAGGCAG[C>CGGAGGA]GGAGGAGGAGGAGGAGGAGGAGGAGCAGGAGCAGGAGGAGCAGGAGCGGGAGCTGTGGCG-3'